The following is an entry in ClinVar:

NM_002755.4(MAP2K1):c.76G>A (p.Ala26Thr)

Gene: MAP2K1 (mitogen-activated protein kinase kinase 1; plus strand). Cytogenetic location: 15q22.31.
Variant type: single nucleotide variant.
Coding change: c.76G>A on transcript NM_002755.4 (MANE Select); coding-DNA position 76, G replaced by A.
Protein change: p.Ala26Thr; replaces alanine 26 with threonine.
Molecular consequence: missense variant.
Genome position (GRCh38, 1-based): chr15:66,387,423, G>A. VCF-style: chr15-66387423-G-A. GRCh37 (hg19) VCF-style: chr15-66679761-G-A.
Other names: short protein forms A26T.
Identifiers: ClinVar variation 1317376 (VCV001317376.3), dbSNP rs1228037386, ClinGen allele CA392931731.
Genomic context (GRCh38, chr15:66,387,423, plus strand): 5'-CCGACGCCCATCCAGCTGAACCCGGCCCCCGACGGCTCTGCAGTTAACGGGACCAGCTCT[G>A]CGGAGTAAGTATGGGGCGGGCGGTGAACCTCGGGGCCCGGCTGGGGAGGCCCGAGCCGGG-3'
Protein context (NP_002746.1, residues 16-36): DGSAVNGTSS[Ala26Thr]ETNLEALQKK

ClinVar aggregate classification (germline): Uncertain significance. Review status: criteria provided, multiple submitters, no conflicts (2 of 4 stars). 2 submissions from 2 submitters: Uncertain significance (2). Last evaluated 2024-06-17.

Allele frequency attached by ClinVar (database versions not stated): gnomAD exomes below 0.00001; TOPMed below 0.00001; gnomAD 0.00001.
gnomAD v4.1: 4 of 1,556,946 alleles (0.00026%); highest among the groups gnomAD compares: Non-Finnish European, 0.00035%; no homozygotes.

Submissions (2):

Blueprint Genetics
Classification: Uncertain significance. Last evaluated: 2024-06-17. Review status: criteria provided, single submitter. Criteria: ACMG Guidelines, 2015. Collection method: clinical testing. Allele origin: germline.

GeneDx
Classification: Uncertain significance. Last evaluated: 2020-10-15. Review status: criteria provided, single submitter. Criteria: GeneDx Variant Classification Process June 2021. Collection method: clinical testing. Allele origin: germline. Affected: yes.
Comment: Has not been previously published as pathogenic or benign to our knowledge; In silico analysis supports that this missense variant does not alter protein structure/function; Missense variants in this gene are often considered pathogenic (Stenson et al., 2014)